The following is an entry in ClinVar:

NM_020706.2(SCAF4):c.1996G>A (p.Val666Ile)

Gene: SCAF4 (SR-related CTD associated factor 4; minus strand). Cytogenetic location: 21q22.11.
Variant type: single nucleotide variant.
Coding change: c.1996G>A on transcript NM_020706.2 (MANE Select); coding-DNA position 1996, G replaced by A.
Protein change: p.Val666Ile; replaces valine 666 with isoleucine.
Molecular consequence: missense variant.
Genome position (GRCh38, 1-based): chr21:31,688,354, C>T on the plus strand (G>A on the coding strand, the complement: SCAF4 is on the minus strand). VCF-style: chr21-31688354-C-T. GRCh37 (hg19) VCF-style: chr21-33060667-C-T.
Other names: c.1951G>A, p.Val651Ile (NM_001145444.1); c.1996G>A, p.Val666Ile (NM_001145445.1); short protein forms V651I, V666I.
Identifiers: ClinVar variation 2590392 (VCV002590392.3), dbSNP rs141960252, ClinGen allele CA9999409.

ClinVar aggregate classification (germline): Likely benign. Review status: criteria provided, multiple submitters, no conflicts (2 of 4 stars). 2 submissions from 2 submitters: Likely benign (2). Last evaluated 2026-06-28.

Conditions:
SCAF4-related disorder. Also called: SCAF4-related condition.
Inborn genetic diseases. Identifiers: MedGen C0950123, MeSH D030342.

Allele frequency attached by ClinVar (database versions not stated): TOPMed 0.00008; ExAC 0.00009; gnomAD exomes 0.00010; gnomAD 0.00011; ESP Exome Variant Server 0.00015.
gnomAD v4.1: 161 of 1,613,078 alleles (0.01%); highest among the groups gnomAD compares: Non-Finnish European, 0.012%; no homozygotes.

Submissions (2):

PreventionGenetics, part of Exact Sciences
Classification: Likely benign for SCAF4-related condition. Last evaluated: 2026-06-28. Review status: criteria provided, single submitter. Criteria: ACMG Guidelines, 2015. Collection method: clinical testing. Allele origin: germline.
Comment: This variant is classified as likely benign based on ACMG/AMP sequence variant interpretation guidelines (Richards et al. 2015 PMID: 25741868, with internal and published modifications).

Ambry Genetics
Classification: Likely benign for Inborn genetic diseases. Last evaluated: 2023-08-31. Review status: criteria provided, single submitter. Criteria: Ambry Variant Classification Scheme 2023. Collection method: clinical testing. Allele origin: germline.